The following is an entry in ClinVar:

ClinVar aggregate classification (germline): Pathogenic (1 of 4 stars; one submission).

Conditions:
Zellweger spectrum disorders (ZS). Also called: Zellweger Spectrum Disorder (ZSD); Zellweger syndrome; Zellweger Spectrum Disorder; Zellweger Spectrum. Identifiers: Orphanet 912, MedGen C0043459, MONDO:0019609.

Submission:

Labcorp Genetics (formerly Invitae), Labcorp
Classification: Pathogenic for Zellweger spectrum disorders. Last evaluated: 2023-05-02. Review status: criteria provided, single submitter. Criteria: Invitae Variant Classification Sherloc (09022015). Collection method: clinical testing. Allele origin: germline.
Comment: This variant is not present in population databases (gnomAD no frequency). This variant has not been reported in the literature in individuals affected with PEX1-related conditions. For these reasons, this variant has been classified as Pathogenic. This sequence change creates a premature translational stop signal (p.Tyr1134Leufs*2) in the PEX1 gene. It is expected to result in an absent or disrupted protein product. Loss-of-function variants in PEX1 are known to be pathogenic (PMID: 9398847, 16086329, 16141001, 21031596, 26387595, 31831025).

Literature cited by the submitters: PubMed 9398847; PubMed 16086329; PubMed 16141001; PubMed 21031596; PubMed 26387595; PubMed 31831025.

NM_000466.3(PEX1):c.3400dup (p.Tyr1134fs)

Genes: PEX1 (peroxisomal biogenesis factor 1; minus strand), GATAD1 (GATA zinc finger domain containing 1; plus strand). Cytogenetic location: 7q21.2.
Variant type: Duplication.
Coding change: c.3400dup on transcript NM_000466.3 (MANE Select); coding-DNA position 3400, one base duplicated (T; older notation c.3400dupT).
Protein change: p.Tyr1134fs; shifts the reading frame from tyrosine 1134.
Molecular consequence: frameshift variant.
Genome position (GRCh38, 1-based): chr7:92,491,310, A duplicated on the plus strand (T on the coding strand, the reverse complement: PEX1 is on the minus strand); the first of 2 consecutive A bases (chr7:92,491,310-92,491,311); duplicating either gives the same sequence. VCF-style (leftmost placement, unchanged base first): chr7-92491309-T-TA. GRCh37 (hg19) VCF-style: chr7-92120623-T-TA.
Other names: c.3229dup, p.Tyr1077fs (NM_001282677.2); c.2776dup, p.Tyr926fs (NM_001282678.2); short protein forms Y1077fs, Y926fs, Y1134fs.
Identifiers: ClinVar variation 3013395 (VCV003013395.3), dbSNP rs2484620854, ClinGen allele CA2740097394.